The following is an entry in ClinVar:

ClinVar aggregate classification (germline): Likely benign (0 of 4 stars; one submission).

Conditions:
ABCA12-related disorder. Also called: ABCA12-related condition.

Submission:

PreventionGenetics, part of Exact Sciences
Classification: Likely benign for ABCA12-related condition. Last evaluated: 2021-12-02. Review status: no assertion criteria provided. Collection method: clinical testing. Allele origin: germline.
Comment: This variant is classified as likely benign based on ACMG/AMP sequence variant interpretation guidelines (Richards et al. 2015 PMID: 25741868, with internal and published modifications).

NM_173076.3(ABCA12):c.2445C>T (p.Asn815=)

Gene: ABCA12 (ATP binding cassette subfamily A member 12; minus strand). Cytogenetic location: 2q35.
Variant type: single nucleotide variant.
Coding change: c.2445C>T on transcript NM_173076.3 (MANE Select); coding-DNA position 2445, C replaced by T.
Protein change: p.Asn815=; no amino-acid change (asparagine 815 retained).
Molecular consequence: synonymous variant. On other transcripts: non-coding transcript variant (1).
Genome position (GRCh38, 1-based): chr2:215,010,358, G>A on the plus strand (C>T on the coding strand, the complement: ABCA12 is on the minus strand). VCF-style: chr2-215010358-G-A. GRCh37 (hg19) VCF-style: chr2-215875082-G-A.
Other names: c.1491C>T, p.Asn497= (NM_015657.4).
Identifiers: ClinVar variation 3029220 (VCV003029220.2), dbSNP rs780488664, ClinGen allele CA64843386.